The following is an entry in ClinVar:

ClinVar aggregate classification (germline): Uncertain significance (1 of 4 stars; one submission).

Conditions:
Cardiovascular phenotype. Identifiers: MedGen CN230736.

Submission:

Ambry Genetics
Classification: Uncertain significance for Cardiovascular phenotype. Last evaluated: 2025-08-19. Review status: criteria provided, single submitter. Criteria: Ambry Variant Classification Scheme 2023. Collection method: clinical testing. Allele origin: germline.
Comment: The p.L874Q variant (also known as c.2621T>A), located in coding exon 15 of the EPHB4 gene, results from a T to A substitution at nucleotide position 2621. The leucine at codon 874 is replaced by glutamine, an amino acid with dissimilar properties. This amino acid position is conserved. In addition, this alteration is predicted to be deleterious by in silico analysis. Based on the available evidence, the clinical significance of this variant remains unclear.

NM_004444.5(EPHB4):c.2621T>A (p.Leu874Gln)

Genes: EPHB4 (EPH receptor B4; minus strand), LOC126860124 (CDK7 strongly-dependent group 2 enhancer GRCh37_chr7:100403701-100404900; plus strand). Cytogenetic location: 7q22.1.
Variant type: single nucleotide variant.
Coding change: c.2621T>A on transcript NM_004444.5 (MANE Select); coding-DNA position 2621, T replaced by A.
Protein change: p.Leu874Gln; replaces leucine 874 with glutamine.
Molecular consequence: missense variant.
Genome position (GRCh38, 1-based): chr7:100,805,558, A>T on the plus strand (T>A on the coding strand, the complement: EPHB4 is on the minus strand). VCF-style: chr7-100805558-A-T. GRCh37 (hg19) VCF-style: chr7-100403180-A-T.
Other names: short protein forms L874Q.
Identifiers: ClinVar variation 4249972 (VCV004249972.1).